The following is an entry in ClinVar:

ClinVar aggregate classification (germline): Benign/Likely benign. Review status: criteria provided, multiple submitters, no conflicts (2 of 4 stars). 5 submissions from 5 submitters: Benign (1); Likely benign (4). Last evaluated 2025-06-25.

Conditions:
Hereditary cancer-predisposing syndrome. Also called: Neoplastic Syndromes, Hereditary; Hereditary neoplastic syndrome; Tumor predisposition; Hereditary Cancer Syndrome. Identifiers: Orphanet 140162, MedGen C0027672, MeSH D009386, MONDO:0015356.
Juvenile polyposis syndrome (JPS). Identifiers: Orphanet 2929, MedGen C0345893, MONDO:0017380, OMIM 174900.

Allele frequency attached by ClinVar (database versions not stated): gnomAD exomes below 0.00001.
gnomAD v4.1: 2 of 1,613,242 alleles (0.00012%); highest among the groups gnomAD compares: Non-Finnish European, 0.00017%; no homozygotes.

Submissions (5):

Labcorp Genetics (formerly Invitae), Labcorp
Classification: Likely benign for Juvenile polyposis syndrome. Last evaluated: 2025-06-25. Review status: criteria provided, single submitter. Criteria: Invitae Variant Classification Sherloc (09022015). Collection method: clinical testing. Allele origin: germline.

Myriad Genetics, Inc.
Classification: Benign for Juvenile polyposis syndrome. Last evaluated: 2024-08-06. Review status: criteria provided, single submitter. Criteria: Myriad Autosomal Dominant, Autosomal Recessive and X-Linked Classification Criteria (2023). Collection method: clinical testing. Allele origin: unknown.
Comment: This variant is considered benign. This variant is a silent/synonymous amino acid change and it is not expected to impact splicing.

Sema4
Classification: Likely benign for Hereditary cancer-predisposing syndrome. Last evaluated: 2022-02-07. Review status: criteria provided, single submitter. Criteria: Sema4 Curation Guidelines. Collection method: curation. Allele origin: germline.

Women's Health and Genetics/Laboratory Corporation of America, LabCorp
Classification: Likely benign. Last evaluated: 2020-01-31. Review status: criteria provided, single submitter. Criteria: LabCorp Variant Classification Summary - May 2015. Collection method: clinical testing. Allele origin: germline.

Ambry Genetics
Classification: Likely benign for Hereditary cancer-predisposing syndrome. Last evaluated: 2019-10-22. Review status: criteria provided, single submitter. Criteria: Ambry Variant Classification Scheme 2023. Collection method: clinical testing. Allele origin: germline.

NM_004329.3(BMPR1A):c.1119T>C (p.Asn373=)

Gene: BMPR1A (bone morphogenetic protein receptor type 1A; plus strand). Cytogenetic location: 10q23.2.
Variant type: single nucleotide variant.
Coding change: c.1119T>C on transcript NM_004329.3 (MANE Select); coding-DNA position 1119, T replaced by C.
Protein change: p.Asn373=; no amino-acid change (asparagine 373 retained).
Molecular consequence: synonymous variant.
Genome position (GRCh38, 1-based): chr10:86,919,422, T>C. VCF-style: chr10-86919422-T-C. GRCh37 (hg19) VCF-style: chr10-88679179-T-C.
Identifiers: ClinVar variation 529974 (VCV000529974.14), dbSNP rs1224219121, ClinGen allele CA470373404.